The following is an entry in ClinVar:

NM_018451.5(CPAP):c.2561C>T (p.Ser854Phe)

Gene: CPAP (centrosome assembly and centriole elongation protein; minus strand). Cytogenetic location: 13q12.13.
Variant type: single nucleotide variant.
Coding change: c.2561C>T on transcript NM_018451.5 (MANE Select); coding-DNA position 2561, C replaced by T.
Protein change: p.Ser854Phe; replaces serine 854 with phenylalanine.
Molecular consequence: missense variant. On other transcripts: non-coding transcript variant (2).
Genome position (GRCh38, 1-based): chr13:24,905,477, G>A on the plus strand (C>T on the coding strand, the complement: CPAP is on the minus strand). VCF-style: chr13-24905477-G-A. GRCh37 (hg19) VCF-style: chr13-25479615-G-A.
Other names: short protein forms S854F.
Identifiers: ClinVar variation 1716068 (VCV001716068.6), dbSNP rs1954506571, ClinGen allele CA387584585.

ClinVar aggregate classification (germline): Uncertain significance (1 of 4 stars; one submission).

Allele frequency attached by ClinVar (database versions not stated): gnomAD exomes below 0.00001; TOPMed below 0.00001.
gnomAD v4.1: 1 of 1,614,112 alleles (0.000062%); highest among the groups gnomAD compares: Non-Finnish European, 0.000085%; no homozygotes.

Submission:

Labcorp Genetics (formerly Invitae), Labcorp
Classification: Uncertain significance. Last evaluated: 2022-08-22. Review status: criteria provided, single submitter. Criteria: Invitae Variant Classification Sherloc (09022015). Collection method: clinical testing. Allele origin: germline.
Comment: This variant is not present in population databases (gnomAD no frequency). This sequence change replaces serine, which is neutral and polar, with phenylalanine, which is neutral and non-polar, at codon 854 of the CENPJ protein (p.Ser854Phe). This variant has not been reported in the literature in individuals affected with CENPJ-related conditions. In summary, the available evidence is currently insufficient to determine the role of this variant in disease. Therefore, it has been classified as a Variant of Uncertain Significance. Algorithms developed to predict the effect of missense changes on protein structure and function output the following: SIFT: "Tolerated"; PolyPhen-2: "Benign"; Align-GVGD: "Class C0". The phenylalanine amino acid residue is found in multiple mammalian species, which suggests that this missense change does not adversely affect protein function.